The following is an entry in ClinVar:

ClinVar aggregate classification (germline): Uncertain significance (1 of 4 stars; one submission).

Conditions:
Muscular dystrophy-dystroglycanopathy (congenital with brain and eye anomalies), type A1 (MDDGA1). Also called: Hydrocephalus, agyria and retinal dysplasia; Hard +/- E syndrome; Warburg syndrome; Chemke syndrome; Pagon syndrome; Cerebroocular dysgenesis. Identifiers: Orphanet 588, Orphanet 899, MedGen C4284790, MONDO:0009364, OMIM 236670.

Allele frequency attached by ClinVar (database versions not stated): gnomAD exomes below 0.00001.
gnomAD v4.1: 1 of 1,614,202 alleles (0.000062%); highest among the groups gnomAD compares: Non-Finnish European, 0.000085%; no homozygotes.

Submission:

Centre for Mendelian Genomics, University Medical Centre Ljubljana
Classification: Uncertain significance for Muscular dystrophy-dystroglycanopathy (congenital with brain and eye anomalies), type A1. Last evaluated: 2018-10-22. Review status: criteria provided, single submitter. Criteria: ACMG Guidelines, 2015. Collection method: clinical testing. Allele origin: unknown. Affected: yes.
Comment: This variant was classified as: Uncertain significance. The available evidence on this variant's pathogenicity is insufficient or conflicting. The following ACMG criteria were applied in classifying this variant: PM2,BP4.

NM_001077365.2(POMT1):c.700-17C>T

Gene: POMT1 (protein O-mannosyltransferase 1; plus strand). Cytogenetic location: 9q34.13.
Variant type: single nucleotide variant.
Coding change: c.700-17C>T on transcript NM_001077365.2 (MANE Select); 17 bases into the intron before coding-DNA position 700, C replaced by T.
Molecular consequence: intron variant.
Genome position (GRCh38, 1-based): chr9:131,510,243, C>T. VCF-style: chr9-131510243-C-T. GRCh37 (hg19) VCF-style: chr9-134385630-C-T.
Other names: c.604-17C>T (NM_001353198.2, NM_001353197.2); c.766-17C>T (NM_001353193.2, NM_007171.4); c.700-17C>T (NM_001136113.2, NM_001374690.1); c.538-17C>T (NM_001353194.2, NM_001077366.2, NM_001374693.1); c.349-17C>T (NM_001374691.1, NM_001353195.2, NM_001374692.1 and 1 more transcripts); c.610-17C>T (NM_001353196.2); c.310-17C>T (NM_001374695.1); c.683-17C>T (NM_001374689.1); and 2 more.
Identifiers: ClinVar variation 931876 (VCV000931876.3), dbSNP rs1946817783, ClinGen allele CA1139661261.